The following is an entry in ClinVar:

NM_001166108.2(PALLD):c.1965-12568G>A

Gene: PALLD (palladin, cytoskeletal associated protein; plus strand). Cytogenetic location: 4q32.3.
Variant type: single nucleotide variant.
Coding change: c.1965-12568G>A on transcript NM_001166108.2 (MANE Select); 12568 bases into the intron before coding-DNA position 1965, G replaced by A.
Molecular consequence: intron variant. On other transcripts: missense variant (1).
Genome position (GRCh38, 1-based): chr4:168,878,354, G>A. VCF-style: chr4-168878354-G-A. GRCh37 (hg19) VCF-style: chr4-169799505-G-A.
Other names: c.463G>A, p.Ala155Thr (NM_001166110.2); c.1965-12568G>A (NM_016081.4); c.819-12568G>A (NM_001166109.2); c.-157-12568G>A (NM_001367570.1, NM_001367568.1, NM_001367567.1 and 1 more transcripts); short protein forms A155T.
Identifiers: ClinVar variation 4564155 (VCV004564155.1).

ClinVar aggregate classification (germline): Uncertain significance (1 of 4 stars; one submission).

gnomAD v4.1: 1 of 1,518,708 alleles (0.000066%); highest among the groups gnomAD compares: Admixed American, 0.002%; no homozygotes.

Submission:

Ambry Genetics
Classification: Uncertain significance. Last evaluated: 2025-10-03. Review status: criteria provided, single submitter. Criteria: Ambry Variant Classification Scheme 2023. Collection method: clinical testing. Allele origin: germline.
Comment: The p.A155T variant (also known as c.463G>A), located in coding exon 1 of the PALLD gene, results from a G to A substitution at nucleotide position 463. The alanine at codon 155 is replaced by threonine, an amino acid with similar properties. This amino acid position is conserved. In addition, this alteration is predicted to be tolerated by in silico analysis. Based on the available evidence, the clinical significance of this variant remains unclear.